The following is an entry in ClinVar:

NM_001961.4(EEF2):c.1549C>T (p.Leu517=)

Gene: EEF2 (eukaryotic translation elongation factor 2; minus strand). Cytogenetic location: 19p13.3.
Variant type: single nucleotide variant.
Coding change: c.1549C>T on transcript NM_001961.4 (MANE Select); coding-DNA position 1549, C replaced by T.
Protein change: p.Leu517=; no amino-acid change (leucine 517 retained).
Molecular consequence: synonymous variant.
Genome position (GRCh38, 1-based): chr19:3,979,864, G>A on the plus strand (C>T on the coding strand, the complement: EEF2 is on the minus strand). VCF-style: chr19-3979864-G-A. GRCh37 (hg19) VCF-style: chr19-3979862-G-A.
Identifiers: ClinVar variation 447293 (VCV000447293.11), dbSNP rs148099639, ClinGen allele CA9088864.
Genomic context (GRCh38, chr19:3,979,864, plus strand): 5'-CCACCTGCACCATGGGGTCGGACTTGGCCAGCCGCTTCAGCCCCTCCACCAGCTTGGGCA[G>A]GTCAGCCGGGTTCTTGGCCTCCACGGCCACTCTGACAACAGGGCTGACGCTGAACTTCAT-3'
Protein context (NP_001952.1, residues 507-527): VAVEAKNPAD[Leu517=]PKLVEGLKRL

ClinVar aggregate classification (germline): Benign/Likely benign. Review status: criteria provided, multiple submitters, no conflicts (2 of 4 stars). 3 submissions from 3 submitters: Benign (2); Likely benign (1). Last evaluated 2025-10-13.

Allele frequency attached by ClinVar (database versions not stated): gnomAD exomes 0.00041; ExAC 0.00056; gnomAD 0.00146 and 0.00155; 1000 Genomes Project 0.00160; 1000 Genomes Project 30x 0.00172; TOPMed 0.00175; ESP Exome Variant Server 0.00185.
gnomAD v4.1: 433 of 1,613,782 alleles (0.027%); highest among the groups gnomAD compares: African/African-American, 0.54%; 2 homozygotes.

Submissions (3):

Labcorp Genetics (formerly Invitae), Labcorp
Classification: Benign. Last evaluated: 2025-10-13. Review status: criteria provided, single submitter. Criteria: Invitae Variant Classification Sherloc (09022015). Collection method: clinical testing. Allele origin: germline.

GeneDx
Classification: Likely benign. Last evaluated: 2023-05-04. Review status: criteria provided, single submitter. Criteria: GeneDx Variant Classification Process June 2021. Collection method: clinical testing. Allele origin: germline. Affected: yes.
Comment: In silico analysis supports that this variant does not alter splicing; Has not been previously published as pathogenic or benign to our knowledge

Athena Diagnostics
Classification: Benign. Last evaluated: 2021-02-15. Review status: criteria provided, single submitter. Criteria: Athena Diagnostics criteria. Collection method: clinical testing. Allele origin: unknown.